The following is an entry in ClinVar:

NM_003640.5(ELP1):c.2731_2732del (p.Gln911fs)

Gene: ELP1 (elongator acetyltransferase complex subunit 1; minus strand). Cytogenetic location: 9q31.3.
Variant type: Microsatellite.
Coding change: c.2731_2732del on transcript NM_003640.5 (MANE Select); coding-DNA positions 2731 to 2732, 2 bases deleted (CA; older notation c.2731_2732delCA).
Protein change: p.Gln911fs; shifts the reading frame from glutamine 911.
Molecular consequence: frameshift variant.
Genome position (GRCh38, 1-based): chr9:108,896,500-108,896,501, TG deleted on the plus strand (CA on the coding strand, the reverse complement: ELP1 is on the minus strand); deleting any 2 consecutive bases within chr9:108,896,500-108,896,503 gives the same sequence; the c. name uses the placement nearest the transcript's 3' end. VCF-style (leftmost placement, unchanged base first): chr9-108896499-CTG-C. GRCh37 (hg19) VCF-style: chr9-111658779-CTG-C.
Other names: c.2389_2390del, p.Gln797fs (NM_001318360.2); c.1684_1685del, p.Gln562fs (NM_001330749.2); short protein forms Q562fs, Q797fs, Q911fs.
Identifiers: ClinVar variation 1725619 (VCV001725619.2), dbSNP rs2537889010, ClinGen allele CA2580616281.
Genomic context (GRCh38, chr9:108,896,499, plus strand): 5'-CACACTATCATTATATAAACAAGAACCAAATGGCATAAAAGTAAGAACTCCACATACCTT[CTG>C]TGACTTCTCAGCTACCATGAGGACCAAATCAAAGTCATAGGTGCCAAGAGAATGATCATA-3'

ClinVar aggregate classification (germline): Likely pathogenic (1 of 4 stars; one submission).

Conditions:
Familial dysautonomia. Also called: HSAN III; FD. Identifiers: Orphanet 1764, MedGen C0013364, MONDO:0009131, OMIM 223900. Disease mechanism: loss of function.

Submission:

Myriad Genetics, Inc.
Classification: Likely pathogenic for Familial dysautonomia. Last evaluated: 2022-03-30. Review status: criteria provided, single submitter. Criteria: Myriad Women's Health Autosomal Recessive and X-Linked Classification Criteria (2021). Collection method: clinical testing. Allele origin: unknown.
Comment: NM_003640.3(ELP1):c.2731_2732delCA(Q911Efs*11) is expected to be pathogenic in the context of familial dysautonomia. This variant is predicted to lead to an abnormal or absent protein product due to the creation of a premature termination codon in ELP1, a gene where loss-of-function variants are known to be pathogenic. Please note: this variant was assessed in the context of healthy population screening.